The following is an entry in ClinVar:

NM_032634.4(PIGO):c.2245G>A (p.Gly749Arg)

Gene: PIGO (phosphatidylinositol glycan anchor biosynthesis class O; minus strand). Cytogenetic location: 9p13.3.
Variant type: single nucleotide variant.
Coding change: c.2245G>A on transcript NM_032634.4 (MANE Select); coding-DNA position 2245, G replaced by A.
Protein change: p.Gly749Arg; replaces glycine 749 with arginine.
Molecular consequence: missense variant. On other transcripts: intron variant (2).
Genome position (GRCh38, 1-based): chr9:35,091,642, C>T on the plus strand (G>A on the coding strand, the complement: PIGO is on the minus strand). VCF-style: chr9-35091642-C-T. GRCh37 (hg19) VCF-style: chr9-35091639-C-T.
Other names: c.1345-351G>A (NM_152850.4, NM_001201484.2); short protein forms G749R.
Identifiers: ClinVar variation 1501855 (VCV001501855.8), dbSNP rs1829424417, ClinGen allele CA373320507.

ClinVar aggregate classification (germline): Uncertain significance (1 of 4 stars; one submission).

Conditions:
Hyperphosphatasia with impaired intellectual development syndrome 2. Also called: Hyperphosphatasia with intellectual disability syndrome 2; GLYCOSYLPHOSPHATIDYLINOSITOL BIOSYNTHESIS DEFECT 6. Identifiers: Orphanet 247262, MedGen C3553637, MONDO:0013882, OMIM 614749.

Allele frequency attached by ClinVar (database versions not stated): TOPMed below 0.00001.

Submission:

Labcorp Genetics (formerly Invitae), Labcorp
Classification: Uncertain significance for Hyperphosphatasia with impaired intellectual development syndrome 2. Last evaluated: 2022-02-04. Review status: criteria provided, single submitter. Criteria: Invitae Variant Classification Sherloc (09022015). Collection method: clinical testing. Allele origin: germline.
Comment: In summary, the available evidence is currently insufficient to determine the role of this variant in disease. Therefore, it has been classified as a Variant of Uncertain Significance. Algorithms developed to predict the effect of missense changes on protein structure and function are either unavailable or do not agree on the potential impact of this missense change (SIFT: "Tolerated"; PolyPhen-2: "Possibly Damaging"; Align-GVGD: "Class C0"). This variant has not been reported in the literature in individuals affected with PIGO-related conditions. This variant is not present in population databases (gnomAD no frequency). This sequence change replaces glycine, which is neutral and non-polar, with arginine, which is basic and polar, at codon 749 of the PIGO protein (p.Gly749Arg).